The following is an entry in ClinVar:

NM_206996.4(SPAG17):c.473A>T (p.Glu158Val)

Gene: SPAG17 (sperm associated antigen 17; minus strand). Cytogenetic location: 1p12.
Variant type: single nucleotide variant.
Coding change: c.473A>T on transcript NM_206996.4 (MANE Select); coding-DNA position 473, A replaced by T.
Protein change: p.Glu158Val; replaces glutamic acid 158 with valine.
Molecular consequence: missense variant.
Genome position (GRCh38, 1-based): chr1:118,101,901, T>A on the plus strand (A>T on the coding strand, the complement: SPAG17 is on the minus strand). VCF-style: chr1-118101901-T-A. GRCh37 (hg19) VCF-style: chr1-118644524-T-A.
Other names: short protein forms E158V.
Identifiers: ClinVar variation 3055890 (VCV003055890.2), dbSNP rs17185492, ClinGen allele CA1034579.

ClinVar aggregate classification (germline): Benign (0 of 4 stars; one submission).

Conditions:
SPAG17-related disorder. Also called: SPAG17-related condition.

Allele frequency attached by ClinVar (database versions not stated): 1000 Genomes Project 30x 0.11243; 1000 Genomes Project 0.11581; TOPMed 0.13702; ESP Exome Variant Server 0.14862; gnomAD 0.15208; ExAC 0.16700; gnomAD exomes 0.19765.
gnomAD v4.1: 311,058 of 1,612,196 alleles (19%); highest among the groups gnomAD compares: Non-Finnish European, 21%; 32,212 homozygotes.

Submission:

PreventionGenetics, part of Exact Sciences
Classification: Benign for SPAG17-related condition. Last evaluated: 2019-10-21. Review status: no assertion criteria provided. Collection method: clinical testing. Allele origin: germline.
Comment: This variant is classified as benign based on ACMG/AMP sequence variant interpretation guidelines (Richards et al. 2015 PMID: 25741868, with internal and published modifications).